The following is an entry in ClinVar:

NM_003865.3(HESX1):c.158G>A (p.Gly53Glu)

Gene: HESX1 (HESX homeobox 1; minus strand). Cytogenetic location: 3p14.3.
Variant type: single nucleotide variant.
Coding change: c.158G>A on transcript NM_003865.3 (MANE Select); coding-DNA position 158, G replaced by A.
Protein change: p.Gly53Glu; replaces glycine 53 with glutamic acid.
Molecular consequence: missense variant.
Genome position (GRCh38, 1-based): chr3:57,198,952, C>T on the plus strand (G>A on the coding strand, the complement: HESX1 is on the minus strand). VCF-style: chr3-57198952-C-T. GRCh37 (hg19) VCF-style: chr3-57232980-C-T.
Other names: c.158G>A, p.Gly53Glu (NM_001376058.1, NM_001376059.1, NM_001376060.1 and 1 more transcripts); short protein forms G53E.
Identifiers: ClinVar variation 1488402 (VCV001488402.8), dbSNP rs756899311, ClinGen allele CA2463309.

ClinVar aggregate classification (germline): Uncertain significance (1 of 4 stars; one submission).

Conditions:
Septo-optic dysplasia sequence (SOD). Also called: Septo-optic dysplasia; DE MORSIER SYNDROME. Identifiers: Orphanet 3157, MedGen C0338503, MONDO:0008428, OMIM 182230, HP:0100842.
GROWTH HORMONE DEFICIENCY WITH PITUITARY ANOMALIES. Identifiers: MedGen C2750027, OMIM 182230.

Allele frequency attached by ClinVar (database versions not stated): gnomAD exomes below 0.00001; TOPMed below 0.00001; ExAC 0.00001.
gnomAD v4.1: 1 of 1,613,542 alleles (0.000062%); highest among the groups gnomAD compares: Non-Finnish European, 0.000085%; no homozygotes.

Submission:

Labcorp Genetics (formerly Invitae), Labcorp
Classification: Uncertain significance for GROWTH HORMONE DEFICIENCY WITH PITUITARY ANOMALIES; Septo-optic dysplasia sequence. Last evaluated: 2024-10-22. Review status: criteria provided, single submitter. Criteria: Invitae Variant Classification Sherloc (09022015). Collection method: clinical testing. Allele origin: germline.
Comment: This sequence change replaces glycine, which is neutral and non-polar, with glutamic acid, which is acidic and polar, at codon 53 of the HESX1 protein (p.Gly53Glu). This variant is present in population databases (rs756899311, gnomAD 0.0009%). This variant has not been reported in the literature in individuals affected with HESX1-related conditions. ClinVar contains an entry for this variant (Variation ID: 1488402). An algorithm developed to predict the effect of missense changes on protein structure and function outputs the following: PolyPhen-2: "Benign". The glutamic acid amino acid residue is found in multiple mammalian species, which suggests that this missense change does not adversely affect protein function. Algorithms developed to predict the effect of sequence changes on RNA splicing suggest that this variant may disrupt the consensus splice site. In summary, the available evidence is currently insufficient to determine the role of this variant in disease. Therefore, it has been classified as a Variant of Uncertain Significance.